The following is an entry in ClinVar:

ClinVar aggregate classification (germline): Pathogenic (1 of 4 stars; one submission).

Conditions:
Microcephaly 8, primary, autosomal recessive. Identifiers: Orphanet 2512, MedGen C3553414, MONDO:0013849, OMIM 614673.

Submission:

3billion
Classification: Pathogenic for Microcephaly 8, primary, autosomal recessive. Last evaluated: 2022-03-22. Review status: criteria provided, single submitter. Criteria: ACMG Guidelines, 2015. Collection method: clinical testing. Allele origin: germline. Affected: yes. Observed: 1 homozygote.
Comment: Frameshift: predicted to result in a loss or disruption of normal protein function through nonsense-mediated decay (NMD) or protein truncation. Multiple pathogenic variants are reported downstream of the variant. (PVS1_VS). The variant is observed at an extremely low frequency in the gnomAD v2.1.1 dataset (total allele frequency: 0.0000478). Therefore, this variant is classified as pathogenic according to the recommendation of ACMG/AMP guideline.

NM_025009.5(CEP135):c.3118_3121del (p.Asn1040fs)

Gene: CEP135 (centrosomal protein 135; plus strand). Cytogenetic location: 4q12.
Variant type: Deletion.
Coding change: c.3118_3121del on transcript NM_025009.5 (MANE Select); coding-DNA positions 3118 to 3121, 4 bases deleted (AACA; older notation c.3118_3121delAACA).
Protein change: p.Asn1040fs; shifts the reading frame from asparagine 1040.
Molecular consequence: frameshift variant.
Genome position (GRCh38, 1-based): chr4:56,019,458-56,019,461, AACA deleted; deleting any 4 consecutive bases within chr4:56,019,455-56,019,461 gives the same sequence; the c. name uses the placement nearest the transcript's 3' end. VCF-style (leftmost placement, unchanged base first): chr4-56019454-TACAA-T. GRCh37 (hg19) VCF-style: chr4-56885620-TACAA-T.
Other names: short protein forms N1040fs.
Identifiers: ClinVar variation 1526125 (VCV001526125.1), dbSNP rs751437333, ClinGen allele CA2928332.